The following is an entry in ClinVar:

ClinVar aggregate classification (germline): Uncertain significance (1 of 4 stars; one submission).

Conditions:
Hyperornithinemia-hyperammonemia-homocitrullinuria syndrome (HHHS). Also called: HHH SYNDROME; Ornithine translocase deficiency. Identifiers: Orphanet 415, MedGen C0268540, MONDO:0009393, OMIM 238970.

Allele frequency attached by ClinVar (database versions not stated): TOPMed below 0.00001.

Submission:

Labcorp Genetics (formerly Invitae), Labcorp
Classification: Uncertain significance for Hyperornithinemia-hyperammonemia-homocitrullinuria syndrome. Last evaluated: 2022-06-24. Review status: criteria provided, single submitter. Criteria: Invitae Variant Classification Sherloc (09022015). Collection method: clinical testing. Allele origin: germline.
Comment: Algorithms developed to predict the effect of missense changes on protein structure and function (SIFT, PolyPhen-2, Align-GVGD) all suggest that this variant is likely to be tolerated. This variant has not been reported in the literature in individuals affected with SLC25A15-related conditions. This variant is not present in population databases (gnomAD no frequency). This sequence change replaces alanine, which is neutral and non-polar, with serine, which is neutral and polar, at codon 96 of the SLC25A15 protein (p.Ala96Ser). In summary, the available evidence is currently insufficient to determine the role of this variant in disease. Therefore, it has been classified as a Variant of Uncertain Significance.

NM_014252.4(SLC25A15):c.286G>T (p.Ala96Ser)

Gene: SLC25A15 (solute carrier family 25 member 15; plus strand). Cytogenetic location: 13q14.11.
Variant type: single nucleotide variant.
Coding change: c.286G>T on transcript NM_014252.4 (MANE Select); coding-DNA position 286, G replaced by T.
Protein change: p.Ala96Ser; replaces alanine 96 with serine.
Molecular consequence: missense variant. On other transcripts: non-coding transcript variant (2).
Genome position (GRCh38, 1-based): chr13:40,799,287, G>T. VCF-style: chr13-40799287-G-T. GRCh37 (hg19) VCF-style: chr13-41373423-G-T.
Other names: short protein forms A96S.
Identifiers: ClinVar variation 2010181 (VCV002010181.4), dbSNP rs1326979115, ClinGen allele CA387917271.